The following is an entry in ClinVar:

ClinVar aggregate classification (germline): Likely benign. Review status: criteria provided, multiple submitters, no conflicts (2 of 4 stars). 5 submissions from 5 submitters: Likely benign (5). Last evaluated 2025-10-07.

Conditions:
Familial thoracic aortic aneurysm and aortic dissection (TAAD). Also called: Thoracic aortic aneurysms and dissections. Identifiers: Orphanet 91387, MedGen C4707243, MONDO:0019625.
Ehlers-Danlos syndrome, type 4 (EDSVASC). Also called: Ehlers-Danlos Syndrome Type IV; Ehlers-Danlos syndrome vascular type; Ehlers Danlos syndrome, ecchymotic type; Ehlers Danlos syndrome, arterial type; Ehlers Danlos syndrome, Sack-Barabas type. Identifiers: Orphanet 286, MedGen C0268338, MONDO:0017314, OMIM 130050.

Allele frequency attached by ClinVar (database versions not stated): gnomAD exomes 0.00001.
gnomAD v4.1: 7 of 1,614,036 alleles (0.00043%); highest among the groups gnomAD compares: Non-Finnish European, 0.00059%; no homozygotes.

Submissions (5):

Women's Health and Genetics/Laboratory Corporation of America, LabCorp
Classification: Likely benign. Last evaluated: 2025-10-07. Review status: criteria provided, single submitter. Criteria: LabCorp Variant Classification Summary - May 2015. Collection method: clinical testing. Allele origin: germline.

Labcorp Genetics (formerly Invitae), Labcorp
Classification: Likely benign for Ehlers-Danlos syndrome, type 4. Last evaluated: 2025-02-12. Review status: criteria provided, single submitter. Criteria: Invitae Variant Classification Sherloc (09022015). Collection method: clinical testing. Allele origin: germline.

All of Us Research Program, National Institutes of Health
Classification: Likely benign for Ehlers-Danlos syndrome, type 4. Last evaluated: 2024-07-02. Review status: criteria provided, single submitter. Criteria: ACMG Guidelines, 2015. Collection method: clinical testing. Allele origin: germline. Inheritance: Autosomal dominant inheritance. Observed: 2 variant alleles, 2 heterozygotes.
Comment: This study involves interpretation of variants in research participants for the purpose of population health screening. Participant phenotype was not available at the time of variant classification. Additional details can be found in publication PMID: 35346344, PMCID: PMC8962531

Ambry Genetics
Classification: Likely benign for Familial thoracic aortic aneurysm and aortic dissection. Last evaluated: 2021-09-28. Review status: criteria provided, single submitter. Criteria: Ambry Variant Classification Scheme 2023. Collection method: clinical testing. Allele origin: germline.

Color Diagnostics, LLC DBA Color Health
Classification: Likely benign for Familial thoracic aortic aneurysm and aortic dissection. Last evaluated: 2019-02-28. Review status: criteria provided, single submitter. Criteria: ACMG Guidelines, 2015. Collection method: clinical testing. Allele origin: germline.

NM_000090.4(COL3A1):c.2310T>G (p.Pro770=)

Gene: COL3A1 (collagen type III alpha 1 chain; plus strand). Cytogenetic location: 2q32.2.
Variant type: single nucleotide variant.
Coding change: c.2310T>G on transcript NM_000090.4 (MANE Select); coding-DNA position 2310, T replaced by G.
Protein change: p.Pro770=; no amino-acid change (proline 770 retained).
Molecular consequence: synonymous variant.
Genome position (GRCh38, 1-based): chr2:189,001,423, T>G. VCF-style: chr2-189001423-T-G. GRCh37 (hg19) VCF-style: chr2-189866149-T-G.
Identifiers: ClinVar variation 919778 (VCV000919778.11), dbSNP rs1321267556, ClinGen allele CA430310904.